The following is an entry in ClinVar:

NM_004387.4(NKX2-5):c.532A>C (p.Thr178Pro)

Gene: NKX2-5 (NK2 homeobox 5; minus strand). Cytogenetic location: 5q35.1.
Variant type: single nucleotide variant.
Coding change: c.532A>C on transcript NM_004387.4 (MANE Select); coding-DNA position 532, A replaced by C.
Protein change: p.Thr178Pro; replaces threonine 178 with proline.
Molecular consequence: missense variant. On other transcripts: 3 prime UTR variant (2).
Genome position (GRCh38, 1-based): chr5:173,233,012, T>G on the plus strand (A>C on the coding strand, the complement: NKX2-5 is on the minus strand). VCF-style: chr5-173233012-T-G. GRCh37 (hg19) VCF-style: chr5-172660015-T-G.
Other names: c.*485A>C (NM_001166175.2); c.*331A>C (NM_001166176.2); short protein forms T178P.
Identifiers: ClinVar variation 4843220 (VCV004843220.1).

ClinVar aggregate classification (germline): Uncertain significance (1 of 4 stars; one submission).

Conditions:
Cardiovascular phenotype. Identifiers: MedGen CN230736.

Submission:

Ambry Genetics
Classification: Uncertain significance for Cardiovascular phenotype. Last evaluated: 2026-01-12. Review status: criteria provided, single submitter. Criteria: Ambry Variant Classification Scheme 2023. Collection method: clinical testing. Allele origin: germline.
Comment: The p.T178P variant (also known as c.532A>C), located in coding exon 2 of the NKX2-5 gene, results from an A to C substitution at nucleotide position 532. The threonine at codon 178 is replaced by proline, an amino acid with highly similar properties. This amino acid position is conserved. In addition, this alteration is predicted to be deleterious by in silico analysis. Based on the available evidence, the clinical significance of this variant remains unclear.